The following is an entry in ClinVar:

ClinVar aggregate classification (germline): Uncertain significance (1 of 4 stars; one submission).

Allele frequency attached by ClinVar (database versions not stated): gnomAD exomes below 0.00001.
gnomAD v4.1: 6 of 1,614,148 alleles (0.00037%); highest among the groups gnomAD compares: Non-Finnish European, 0.00051%; no homozygotes.

Submission:

Labcorp Genetics (formerly Invitae), Labcorp
Classification: Uncertain significance. Last evaluated: 2022-06-15. Review status: criteria provided, single submitter. Criteria: Invitae Variant Classification Sherloc (09022015). Collection method: clinical testing. Allele origin: germline.
Comment: This sequence change replaces proline, which is neutral and non-polar, with arginine, which is basic and polar, at codon 261 of the SPARC protein (p.Pro261Arg). This variant is not present in population databases (gnomAD no frequency). This variant has not been reported in the literature in individuals affected with SPARC-related conditions. Algorithms developed to predict the effect of missense changes on protein structure and function are either unavailable or do not agree on the potential impact of this missense change (SIFT: "Deleterious"; PolyPhen-2: "Probably Damaging"; Align-GVGD: "Class C15"). In summary, the available evidence is currently insufficient to determine the role of this variant in disease. Therefore, it has been classified as a Variant of Uncertain Significance.

NM_003118.4(SPARC):c.782C>G (p.Pro261Arg)

Genes: SPARC (secreted protein acidic and cysteine rich; minus strand), LOC126807556 (MED14-independent group 3 enhancer GRCh37_chr5:151042798-151043997; plus strand). Cytogenetic location: 5q33.1.
Variant type: single nucleotide variant.
Coding change: c.782C>G on transcript NM_003118.4 (MANE Select); coding-DNA position 782, C replaced by G.
Protein change: p.Pro261Arg; replaces proline 261 with arginine.
Molecular consequence: missense variant.
Genome position (GRCh38, 1-based): chr5:151,664,188, G>C on the plus strand (C>G on the coding strand, the complement: SPARC is on the minus strand). VCF-style: chr5-151664188-G-C. GRCh37 (hg19) VCF-style: chr5-151043749-G-C.
Other names: c.779C>G, p.Pro260Arg (NM_001309443.2); c.782C>G, p.Pro261Arg (NM_001309444.2); short protein forms P261R, P260R.
Identifiers: ClinVar variation 2046598 (VCV002046598.1), dbSNP rs1321364517, ClinGen allele CA361830359.
Genomic context (GRCh38, chr5:151,664,188, plus strand): 5'-ATGTACTTGTCATTGTCCAGGTCACAGGTCTCGAAAAAGCGGGTGGTGCAATGCTCCATG[G>C]GGATGAGGGGAGCACGCAGTGGAGCCAGCTCGGTGTGGGAGAGGTACCTGCAGGGAAGGA-3'
Protein context (NP_003109.1, residues 251-271): ELAPLRAPLI[Pro261Arg]MEHCTTRFFE